The following is an entry in ClinVar:

ClinVar aggregate classification (germline): Likely pathogenic (1 of 4 stars; one submission).

Conditions:
Autosomal recessive FLG-related disorders.

gnomAD v4.1: 15 of 1,602,176 alleles (0.00094%); highest among the groups gnomAD compares: South Asian, 0.016%; no homozygotes.

Submission:

Variantyx, Inc.
Classification: Likely pathogenic for Autosomal recessive FLG-related disorders. Last evaluated: 2025-05-19. Review status: criteria provided, single submitter. Criteria: Variantyx Assertion Criteria 2022. Collection method: clinical testing. Allele origin: germline. Inheritance: Autosomal recessive inheritance. Affected: yes.
Comment: This is a nonsense variant in the FLG gene (OMIM: 135940). Pathogenic variants in this gene have been associated with autosomal recessive FLG-related disorders. This variant has not been reported in individuals with FLG-related disorders in the databases available for review. It introduces a premature termination codon in exon 3 out of 3, and while it is expected to escape nonsense mediated decay, many downstream loss of function pathogenic variants have been reported in affected individuals (PMID: 36716921) (PVS1). This variant has a 0.0174% maximum allele frequency in non-founder control populations (PM2). Based on the current evidence, this variant is classified as likely pathogenic for autosomal recessive FLG-related disorders.

Literature cited by the submitters: PubMed 36716921.

NM_002016.2(FLG):c.8540C>A (p.Ser2847Ter)

Genes: CCDST (cervical cancer associated DHX9 suppressive transcript; plus strand), FLG (filaggrin; minus strand). Cytogenetic location: 1q21.3.
Variant type: single nucleotide variant.
Coding change: c.8540C>A on transcript NM_002016.2 (MANE Select); coding-DNA position 8540, C replaced by A.
Protein change: p.Ser2847Ter; replaces serine 2847 with a stop codon.
Molecular consequence: nonsense.
Genome position (GRCh38, 1-based): chr1:152,306,346, G>T on the plus strand (C>A on the coding strand, the complement: FLG is on the minus strand). VCF-style: chr1-152306346-G-T. GRCh37 (hg19) VCF-style: chr1-152278822-G-T.
Other names: short protein forms S2847*.
Identifiers: ClinVar variation 4813815 (VCV004813815.1).